The following is an entry in ClinVar:

NM_052867.4(NALCN):c.2738T>A (p.Met913Lys)

Gene: NALCN (sodium leak channel, non-selective; minus strand). Cytogenetic location: 13q33.1.
Variant type: single nucleotide variant.
Coding change: c.2738T>A on transcript NM_052867.4 (MANE Select); coding-DNA position 2738, T replaced by A.
Protein change: p.Met913Lys; replaces methionine 913 with lysine.
Molecular consequence: missense variant.
Genome position (GRCh38, 1-based): chr13:101,104,549, A>T on the plus strand (T>A on the coding strand, the complement: NALCN is on the minus strand). VCF-style: chr13-101104549-A-T. GRCh37 (hg19) VCF-style: chr13-101756900-A-T.
Other names: c.2825T>A, p.Met942Lys (NM_001350748.2); c.2738T>A, p.Met913Lys (NM_001350749.2); c.2651T>A, p.Met884Lys (NM_001350750.2, NM_001350751.2); short protein forms M942K, M884K, M913K.
Identifiers: ClinVar variation 2136241 (VCV002136241.1), dbSNP rs373808065, ClinGen allele CA388669838.

ClinVar aggregate classification (germline): Uncertain significance (1 of 4 stars; one submission).

gnomAD v4.1: 1 of 1,614,076 alleles (0.000062%); highest among the groups gnomAD compares: African/African-American, 0.0013%; no homozygotes.

Submission:

GeneDx
Classification: Uncertain significance. Last evaluated: 2022-07-18. Review status: criteria provided, single submitter. Criteria: GeneDx Variant Classification Process June 2021. Collection method: clinical testing. Allele origin: germline. Affected: yes.
Comment: Not observed at significant frequency in large population cohorts (gnomAD); In silico analysis supports that this missense variant has a deleterious effect on protein structure/function; Has not been previously published as pathogenic or benign to our knowledge